The following is an entry in ClinVar:

ClinVar aggregate classification (germline): Uncertain significance. Review status: criteria provided, multiple submitters, no conflicts (2 of 4 stars). 2 submissions from 2 submitters: Uncertain significance (2). Last evaluated 2026-06-01.

Conditions:
Inborn genetic diseases. Identifiers: MedGen C0950123, MeSH D030342.

Allele frequency attached by ClinVar (database versions not stated): ESP Exome Variant Server 0.00015; gnomAD 0.00029; 1000 Genomes Project 0.00100; 1000 Genomes Project 30x 0.00109.
gnomAD v4.1: 401 of 1,602,532 alleles (0.025%); highest among the groups gnomAD compares: Middle Eastern, 0.23%; no homozygotes.

Submissions (2):

CeGaT Center for Human Genetics Tuebingen
Classification: Uncertain significance. Last evaluated: 2026-06-01. Review status: criteria provided, single submitter. Criteria: CeGaT Center For Human Genetics Tuebingen Variant Classification Criteria Version 2. Collection method: clinical testing. Allele origin: germline. Affected: yes. Observed: 1 variant allele.
Comment: FLG: PM2, BP4

Ambry Genetics
Classification: Uncertain significance for Inborn genetic diseases. Last evaluated: 2024-12-04. Review status: criteria provided, single submitter. Criteria: Ambry Variant Classification Scheme 2023. Collection method: clinical testing. Allele origin: germline.

NM_002016.2(FLG):c.8563G>C (p.Gly2855Arg)

Genes: CCDST (cervical cancer associated DHX9 suppressive transcript; plus strand), FLG (filaggrin; minus strand). Cytogenetic location: 1q21.3.
Variant type: single nucleotide variant.
Coding change: c.8563G>C on transcript NM_002016.2 (MANE Select); coding-DNA position 8563, G replaced by C.
Protein change: p.Gly2855Arg; replaces glycine 2855 with arginine.
Molecular consequence: missense variant.
Genome position (GRCh38, 1-based): chr1:152,306,323, C>G on the plus strand (G>C on the coding strand, the complement: FLG is on the minus strand). VCF-style: chr1-152306323-C-G. GRCh37 (hg19) VCF-style: chr1-152278799-C-G.
Other names: short protein forms G2855R.
Identifiers: ClinVar variation 2375321 (VCV002375321.5), dbSNP rs373833125, ClinGen allele CA1104157.